The following is an entry in ClinVar:

NM_001267550.2(TTN):c.55460_55461del (p.Lys18487fs)

Genes: TTN (titin; minus strand), TTN-AS1 (TTN antisense RNA 1; plus strand). Cytogenetic location: 2q31.2.
Variant type: Deletion.
Coding change: c.55460_55461del on transcript NM_001267550.2 (MANE Select); coding-DNA positions 55460 to 55461, 2 bases deleted (AA; older notation c.55460_55461delAA).
Protein change: p.Lys18487fs; shifts the reading frame from lysine 18487.
Molecular consequence: frameshift variant.
Genome position (GRCh38, 1-based): chr2:178,601,536-178,601,537, TT deleted on the plus strand (AA on the coding strand, the reverse complement: TTN is on the minus strand); deleting any 2 consecutive bases within chr2:178,601,536-178,601,538 gives the same sequence; the c. name uses the placement nearest the transcript's 3' end. VCF-style (leftmost placement, unchanged base first): chr2-178601535-CTT-C. GRCh37 (hg19) VCF-style: chr2-179466262-CTT-C.
Other names: c.50537_50538del, p.Lys16846fs (NM_001256850.1); c.28265_28266del, p.Lys9422fs (NM_003319.4); c.47756_47757del, p.Lys15919fs (NM_133378.4); c.28640_28641del, p.Lys9547fs (NM_133432.3); c.28841_28842del, p.Lys9614fs (NM_133437.4); c.55460_55461delAA (NM_001267550.2); c.50537_50538delAA (NM_001256850.1); short protein forms K16846fs, K9614fs, K15919fs, K18487fs, K9422fs, K9547fs.
Identifiers: ClinVar variation 423105 (VCV000423105.13), dbSNP rs1064796230, ClinGen allele CA16617369.

ClinVar aggregate classification (germline): Pathogenic/Likely pathogenic. Review status: criteria provided, multiple submitters, no conflicts (2 of 4 stars). 2 submissions from 2 submitters: Pathogenic (1); Likely pathogenic (1). Last evaluated 2023-05-13.

Conditions:
Dilated cardiomyopathy 1G (CMD1G). Identifiers: Orphanet 154, MedGen C1858763, MONDO:0011400, OMIM 604145.
Autosomal recessive limb-girdle muscular dystrophy type 2J (LGMDR10). Also called: MUSCULAR DYSTROPHY, LIMB-GIRDLE, AUTOSOMAL RECESSIVE 10; Limb-girdle muscular dystrophy, type 2J. Identifiers: Orphanet 140922, MedGen C1837342, MONDO:0012127, OMIM 608807.

Submissions (2):

Labcorp Genetics (formerly Invitae), Labcorp
Classification: Likely pathogenic for Dilated cardiomyopathy 1G; Autosomal recessive limb-girdle muscular dystrophy type 2J. Last evaluated: 2023-05-13. Review status: criteria provided, single submitter. Criteria: Invitae Variant Classification Sherloc (09022015). Collection method: clinical testing. Allele origin: germline.
Comment: This variant is not present in population databases (gnomAD no frequency). This premature translational stop signal has been observed in individual(s) with dilated cardiomyopathy (PMID: 27813223, 31112426). ClinVar contains an entry for this variant (Variation ID: 423105). This variant is located in the A band of TTN (PMID: 25589632). Truncating variants in this region are significantly overrepresented in patients affected with dilated cardiomyopathy (PMID: 25589632). Truncating variants in this region have also been reported in individuals affected with autosomal recessive centronuclear myopathy (PMID: 23975875). In summary, the currently available evidence indicates that the variant is pathogenic, but additional data are needed to prove that conclusively. Therefore, this variant has been classified as Likely Pathogenic. This sequence change creates a premature translational stop signal (p.Lys18487Serfs*3) in the TTN gene. While this is not anticipated to result in nonsense mediated decay, it is expected to create a truncated TTN protein.

GeneDx
Classification: Pathogenic. Last evaluated: 2017-01-24. Review status: criteria provided, single submitter. Criteria: GeneDx Variant Classification (06012015). Collection method: clinical testing. Allele origin: germline. Affected: yes.
Comment: The c.50537_50538delAA pathogenic variant in the TTN gene has not been reported previously as a pathogenic variant or as a benign variant, to our knowledge. This variant causes a shift in reading frame starting at codon lysine 16846, changing it to a serine, and creating a premature stop codon at position 3 of the new reading frame, denoted p.Lys16846SerfsX3. This pathogenic variant is expected to result in either an abnormal, truncated protein product or loss of protein from this allele through nonsense-mediated mRNA decay. Other truncating TTN variants have been reported in approximately 3% of control alleles (Herman et al., 2012). However, the c.50537_50538delAA varaint is located in the A-band region of titin, where the majority of truncating pathogenic variants associated with DCM have been reported (Herman et al., 2012). Finally, this variant is not observed in large population cohorts (Lek et al., 2016; Exome Variant Server).

Literature cited by the submitters: PubMed 27813223 (cited by Labcorp Genetics (formerly Invitae), Labcorp); PubMed 31112426 (cited by Labcorp Genetics (formerly Invitae), Labcorp); PubMed 25589632 (cited by Labcorp Genetics (formerly Invitae), Labcorp); PubMed 23975875 (cited by Labcorp Genetics (formerly Invitae), Labcorp).